The following is an entry in ClinVar:

NM_182493.3(MYLK3):c.1463A>G (p.Asp488Gly)

Gene: MYLK3 (myosin light chain kinase 3; minus strand). Cytogenetic location: 16q11.2.
Variant type: single nucleotide variant.
Coding change: c.1463A>G on transcript NM_182493.3 (MANE Select); coding-DNA position 1463, A replaced by G.
Protein change: p.Asp488Gly; replaces aspartic acid 488 with glycine.
Molecular consequence: missense variant.
Genome position (GRCh38, 1-based): chr16:46,730,698, T>C on the plus strand (A>G on the coding strand, the complement: MYLK3 is on the minus strand). VCF-style: chr16-46730698-T-C. GRCh37 (hg19) VCF-style: chr16-46764610-T-C.
Other names: c.440A>G, p.Asp147Gly (NM_001308301.1); short protein forms D147G, D488G.
Identifiers: ClinVar variation 2117761 (VCV002117761.4), dbSNP rs2548905192, ClinGen allele CA395791833.
Genomic context (GRCh38, chr16:46,730,698, plus strand): 5'-GAGGTCTCCTTGACGCTCACTACCCGGTGTTCAAAAGGAGCTGGTGGGGCCGGACTGTCA[T>C]CTGCTCAGGAGGCAATAAGGACCTGTGAGCCTCCTCTGTGCAGCCCACACCTCTCGGTCA-3'
Protein context (NP_872299.2, residues 478-498): PGAEAGSVVL[Asp488Gly]DSPAPPAPFE

ClinVar aggregate classification (germline): Uncertain significance (1 of 4 stars; one submission).

Submission:

Labcorp Genetics (formerly Invitae), Labcorp
Classification: Uncertain significance. Last evaluated: 2022-03-26. Review status: criteria provided, single submitter. Criteria: Invitae Variant Classification Sherloc (09022015). Collection method: clinical testing. Allele origin: germline.
Comment: In summary, the available evidence is currently insufficient to determine the role of this variant in disease. Therefore, it has been classified as a Variant of Uncertain Significance. Algorithms developed to predict the effect of sequence changes on RNA splicing suggest that this variant may create or strengthen a splice site. Algorithms developed to predict the effect of missense changes on protein structure and function are either unavailable or do not agree on the potential impact of this missense change (SIFT: "Tolerated"; PolyPhen-2: "Probably Damaging"; Align-GVGD: "Class C0"). This variant has not been reported in the literature in individuals affected with MYLK3-related conditions. This variant is not present in population databases (gnomAD no frequency). This sequence change replaces aspartic acid, which is acidic and polar, with glycine, which is neutral and non-polar, at codon 488 of the MYLK3 protein (p.Asp488Gly).